The following is an entry in ClinVar:

ClinVar aggregate classification (germline): Conflicting classifications of pathogenicity. Review status: criteria provided, conflicting classifications (1 of 4 stars). 9 submissions from 9 submitters: Uncertain significance (8); Likely benign (1). Last evaluated 2025-12-29.

Conditions:
DSP-related disorder. Also called: DSP-related condition; DSP-related disorders.
Lethal acantholytic epidermolysis bullosa (EBLA). Identifiers: Orphanet 158687, MedGen C1864826, MONDO:0012323, OMIM 609638.
Woolly hair-skin fragility syndrome (WHSF). Identifiers: Orphanet 293165, MedGen C1843292, MONDO:0957307, OMIM 620415.
Arrhythmogenic cardiomyopathy with wooly hair and keratoderma. Also called: PALMOPLANTAR KERATODERMA WITH LEFT VENTRICULAR CARDIOMYOPATHY AND WOOLLY HAIR; Carvajal syndrome; Dilated cardiomyopathy with woolly hair and keratoderma; Arrhythmogenic cardiomyopathy with woolly hair and keratoderma. Identifiers: Orphanet 65282, MedGen C1854063, MONDO:0011581, OMIM 605676.
Keratosis palmoplantaris striata 2. Also called: KERATODERMA, PALMOPLANTAR, STRIATE FORM II; STRIATE PALMOPLANTAR KERATODERMA II; Keratosis palmoplantaris striata II. Identifiers: MedGen C1852127, MONDO:0013034, OMIM 612908.
Arrhythmogenic right ventricular dysplasia 8 (ARVD8). Also called: Arrhythmogenic Right Ventricular Dysplasia/Cardiomyopathy 8; ARRHYTHMOGENIC RIGHT VENTRICULAR DYSPLASIA, FAMILIAL, 8; ARRHYTHMOGENIC RIGHT VENTRICULAR CARDIOMYOPATHY 8. Identifiers: MedGen C1843896, MONDO:0011831, OMIM 607450.
Cardiomyopathy, dilated, with wooly hair, keratoderma, and tooth agenesis. Also called: Cardiomyopathy, dilated, with woolly hair, keratoderma, and tooth agenesis; Erythrokeratodermia-cardiomyopathy syndrome. Identifiers: Orphanet 476096, Orphanet 65282, MedGen C4014393, MONDO:0014355, OMIM 615821.
Cardiomyopathy (CMYO). Also called: Cardiomyopathies. Identifiers: Orphanet 167848, MedGen C0878544, MONDO:0004994, HP:0001638. Inheritance: Various modes of inheritance.
Cardiovascular phenotype. Identifiers: MedGen CN230736.

gnomAD v4.1: 38 of 1,613,844 alleles (0.0024%); highest among the groups gnomAD compares: Non-Finnish European, 0.0029%; no homozygotes.

Submissions (9):

Labcorp Genetics (formerly Invitae), Labcorp
Classification: Likely benign for Arrhythmogenic cardiomyopathy with wooly hair and keratoderma; Arrhythmogenic right ventricular dysplasia 8. Last evaluated: 2025-12-29. Review status: criteria provided, single submitter. Criteria: Invitae Variant Classification Sherloc (09022015). Collection method: clinical testing. Allele origin: germline.

Women's Health and Genetics/Laboratory Corporation of America, LabCorp
Classification: Uncertain significance. Last evaluated: 2025-07-18. Review status: criteria provided, single submitter. Criteria: LabCorp Variant Classification Summary - May 2015. Collection method: clinical testing. Allele origin: germline.
Comment: Variant summary: DSP c.484C>G (p.Arg162Gly) results in a non-conservative amino acid change in the encoded protein sequence. Algorithms developed to predict the effect of missense changes on protein structure and function are either unavailable or do not agree on the potential impact of this missense change. The variant allele was found at a frequency of 2e-05 in 251226 control chromosomes. The available data on variant occurrences in the general population are insufficient to allow any conclusion about variant significance. c.484C>G has been observed in individual(s) affected with Cardiomyopathy (Nagyavo_2019), without evidence for causality. These report(s) do not provide unequivocal conclusions about association of the variant with Arrhythmogenic Right Ventricular Dysplasia/Cardiomyopathy. To our knowledge, no experimental evidence demonstrating an impact on protein function has been reported. The following publication have been ascertained in the context of this evaluation (PMID: 30685992). ClinVar contains an entry for this variant (Variation ID: 546994). Based on the evidence outlined above, the variant was classified as uncertain significance.

PreventionGenetics, part of Exact Sciences
Classification: Uncertain significance for DSP-related condition. Last evaluated: 2025-04-30. Review status: criteria provided, single submitter. Criteria: ACMG Guidelines, 2015. Collection method: clinical testing. Allele origin: germline.
Comment: The DSP c.484C>G variant is predicted to result in the amino acid substitution p.Arg162Gly. This variant has been reported in individuals with cardiomyopathy; however, in at least one individual this variant was found to co-occur with a pathogenic MYH7 variant which could explain the clinical feature (Nagyova et al. 2019. PubMed ID: 30685992; Table S2, Horgan et al. 2025. PubMed ID: 39694818). This variant is reported in 0.0062% of alleles in individuals of African descent in gnomAD. At this time, the clinical significance of this variant is uncertain due to the absence of conclusive functional and genetic evidence.

All of Us Research Program, National Institutes of Health
Classification: Uncertain significance for Arrhythmogenic cardiomyopathy with wooly hair and keratoderma. Last evaluated: 2024-05-09. Review status: criteria provided, single submitter. Criteria: ACMG Guidelines, 2015. Collection method: clinical testing. Allele origin: germline. Inheritance: Autosomal dominant inheritance. Observed: 6 variant alleles, 6 heterozygotes.
Comment: This missense variant replaces arginine with glycine at codon 162 of the DSP protein. Computational prediction suggests that this variant may not impact protein structure and function (internally defined REVEL score threshold <= 0.5, PMID: 27666373). To our knowledge, functional studies have not been reported for this variant. This variant has been reported in an individual affected with hypertrophic cardiomyopathy who also carried a pathogenic MYH7 variant that could explain the observed phenotype (PMID: 30685992). This variant has been identified in 5/251226 chromosomes in the general population by the Genome Aggregation Database (gnomAD). The available evidence is insufficient to determine the role of this variant in disease conclusively. Therefore, this variant is classified as a Variant of Uncertain Significance.

This study involves interpretation of variants in research participants for the purpose of population health screening. Participant phenotype was not available at the time of variant classification. Additional details can be found in publication PMID: 35346344, PMCID: PMC8962531

Color Diagnostics, LLC DBA Color Health
Classification: Uncertain significance for Cardiomyopathy. Last evaluated: 2023-06-07. Review status: criteria provided, single submitter. Criteria: ACMG Guidelines, 2015. Collection method: clinical testing. Allele origin: germline.
Comment: This missense variant replaces arginine with glycine at codon 162 of the DSP protein. Computational prediction suggests that this variant may not impact protein structure and function (internally defined REVEL score threshold <= 0.5, PMID: 27666373). To our knowledge, functional studies have not been reported for this variant. This variant has been reported in an individual affected with hypertrophic cardiomyopathy who also carried a pathogenic MYH7 variant that could explain the observed phenotype (PMID: 30685992). This variant has been identified in 5/251226 chromosomes in the general population by the Genome Aggregation Database (gnomAD). The available evidence is insufficient to determine the role of this variant in disease conclusively. Therefore, this variant is classified as a Variant of Uncertain Significance.

Blueprint Genetics
Classification: Uncertain significance. Last evaluated: 2022-07-20. Review status: criteria provided, single submitter. Criteria: ACMG Guidelines, 2015. Collection method: clinical testing. Allele origin: germline.

Fulgent Genetics
Classification: Uncertain significance for Arrhythmogenic cardiomyopathy with wooly hair and keratoderma; Arrhythmogenic right ventricular dysplasia 8; Lethal acantholytic epidermolysis bullosa; Keratosis palmoplantaris striata 2; Cardiomyopathy, dilated, with wooly hair, keratoderma, and tooth agenesis. Last evaluated: 2021-11-10. Review status: criteria provided, single submitter. Criteria: ACMG Guidelines, 2015. Collection method: clinical testing. Allele origin: unknown.

Ambry Genetics
Classification: Uncertain significance for Cardiovascular phenotype. Last evaluated: 2019-09-30. Review status: criteria provided, single submitter. Criteria: Ambry Variant Classification Scheme 2023. Collection method: clinical testing. Allele origin: germline.
Comment: The p.R162G variant (also known as c.484C>G), located in coding exon 4 of the DSP gene, results from a C to G substitution at nucleotide position 484. The arginine at codon 162 is replaced by glycine, an amino acid with dissimilar properties. This amino acid position is highly conserved in available vertebrate species. In addition, this alteration is predicted to be deleterious by in silico analysis. Since supporting evidence is limited at this time, the clinical significance of this alteration remains unclear.

CeGaT Center for Human Genetics Tuebingen
Classification: Uncertain significance. Last evaluated: 2018-01-01. Review status: criteria provided, single submitter. Criteria: CeGaT Center For Human Genetics Tuebingen Variant Classification Criteria Version 2. Collection method: clinical testing. Allele origin: germline. Affected: yes. Observed: 1 variant allele.

Literature cited by the submitters: PubMed 30685992 (cited by 3 submitters).

NM_004415.4(DSP):c.484C>G (p.Arg162Gly)

Gene: DSP (desmoplakin; plus strand). Cytogenetic location: 6p24.3.
Variant type: single nucleotide variant.
Coding change: c.484C>G on transcript NM_004415.4 (MANE Select); coding-DNA position 484, C replaced by G.
Protein change: p.Arg162Gly; replaces arginine 162 with glycine.
Molecular consequence: missense variant.
Genome position (GRCh38, 1-based): chr6:7,559,287, C>G. VCF-style: chr6-7559287-C-G. GRCh37 (hg19) VCF-style: chr6-7559520-C-G.
Other names: c.484C>G (NM_004415.3); c.484C>G, p.Arg162Gly (NM_001008844.3, NM_001319034.2); short protein forms R162G.
Identifiers: ClinVar variation 546994 (VCV000546994.61), dbSNP rs760711308, ClinGen allele CA043082.
Genomic context (GRCh38, chr6:7,559,287, plus strand): 5'-CTTCTTCAGCTCCAAGAGCAAATGCGAGCCCTTTATAAAGCCATCAGTGTCCCTCGAGTC[C>G]GCAGGGCCAGCTCCAAGGGTGGTGGAGGCTACACTTGTCAGAGTGGCTCTGGCTGGGATG-3'
Protein context (NP_004406.2, residues 152-172): LYKAISVPRV[Arg162Gly]RASSKGGGGY